The following is an entry in ClinVar:

ClinVar aggregate classification (germline): Pathogenic (1 of 4 stars; one submission).

Submission:

Labcorp Genetics (formerly Invitae), Labcorp
Classification: Pathogenic. Last evaluated: 2023-05-02. Review status: criteria provided, single submitter. Criteria: Invitae Variant Classification Sherloc (09022015). Collection method: clinical testing. Allele origin: unknown.
Comment: For these reasons, this variant has been classified as Pathogenic. This variant has not been reported in the literature in individuals affected with DLL3-related conditions. A gross deletion of the genomic region encompassing the full coding sequence of the DLL3 gene has been identified. Loss-of-function variants in DLL3 are known to be pathogenic (PMID: 12746394). The boundaries of this event are unknown as they extend beyond the assayed region for this gene and therefore may encompass additional genes.

Literature cited by the submitters: PubMed 12746394.

NC_000019.9:g.(?_39989615)_(39998653_?)del

Gene: DLL3 (delta like canonical Notch ligand 3; plus strand). Cytogenetic location: 19q13.2.
Variant type: Deletion.
Identifiers: ClinVar variation 3242702 (VCV003242702.1).